The following is an entry in ClinVar:

NM_001384474.1(LOXHD1):c.126C>T (p.Ala42=)

Gene: LOXHD1 (lipoxygenase homology PLAT domains 1; minus strand). Cytogenetic location: 18q21.1.
Variant type: single nucleotide variant.
Coding change: c.126C>T on transcript NM_001384474.1 (MANE Select); coding-DNA position 126, C replaced by T.
Protein change: p.Ala42=; no amino-acid change (alanine 42 retained).
Molecular consequence: synonymous variant.
Genome position (GRCh38, 1-based): chr18:46,656,908, G>A on the plus strand (C>T on the coding strand, the complement: LOXHD1 is on the minus strand). VCF-style: chr18-46656908-G-A. GRCh37 (hg19) VCF-style: chr18-44236871-G-A.
Other names: c.126C>T, p.Ala42= (NM_144612.7).
Identifiers: ClinVar variation 2648704 (VCV002648704.24), dbSNP rs2512016350, ClinGen allele CA503812535.

ClinVar aggregate classification (germline): Likely benign (1 of 4 stars; one submission).

Submission:

CeGaT Center for Human Genetics Tuebingen
Classification: Likely benign. Last evaluated: 2023-03-01. Review status: criteria provided, single submitter. Criteria: CeGaT Center For Human Genetics Tuebingen Variant Classification Criteria Version 2. Collection method: clinical testing. Allele origin: germline. Affected: yes. Observed: 1 variant allele.
Comment: LOXHD1: PM2:Supporting, BP4, BP7